The following is an entry in ClinVar:

ClinVar aggregate classification (germline): Conflicting classifications of pathogenicity. Review status: criteria provided, conflicting classifications (1 of 4 stars). 2 submissions from 2 submitters: Likely pathogenic (1); Uncertain significance (1). Last evaluated 2023-06-09.

Conditions:
Ornithine carbamoyltransferase deficiency (OTCD). Also called: ORNITHINE TRANSCARBAMYLASE DEFICIENCY; ORNITHINE TRANSCARBAMYLASE DEFICIENCY, HYPERAMMONEMIA DUE TO; OTC DEFICIENCY; Ornithine Carbamoyltransferase Deficiency Disease. Identifiers: Orphanet 664, MedGen C0268542, MONDO:0010703, OMIM 311250.

Allele frequency attached by ClinVar (database versions not stated): gnomAD exomes below 0.00001.
gnomAD v4.1: 4 of 1,133,465 alleles (0.00035%); highest among the groups gnomAD compares: Non-Finnish European, 0.00048%; no homozygotes.

Submissions (2):

Women's Health and Genetics/Laboratory Corporation of America, LabCorp
Classification: Uncertain significance. Last evaluated: 2023-06-09. Review status: criteria provided, single submitter. Criteria: LabCorp Variant Classification Summary - May 2015. Collection method: clinical testing. Allele origin: germline.
Comment: Variant summary: OTC c.218A>G (p.Tyr73Cys) results in a non-conservative amino acid change located in the Aspartate/ornithine carbamoyltransferase, carbamoyl-P binding domain (IPR006132) of the encoded protein sequence. Four of five in-silico tools predict a damaging effect of the variant on protein function. 4/4 computational tools predict no significant impact on normal splicing. However, these predictions have yet to be confirmed by functional studies. The variant was absent in 182630 control chromosomes (gnomAD). The available data on variant occurrences in the general population are insufficient to allow any conclusion about variant significance. To our knowledge, no occurrence of c.218A>G in individuals affected with Ornithine Transcarbamylase Deficiency and no experimental evidence demonstrating its impact on protein function have been reported. No clinical diagnostic laboratories have submitted clinical-significance assessments for this variant to ClinVar after 2014. Based on the evidence outlined above, the variant was classified as uncertain significance.

Kariminejad - Najmabadi Pathology & Genetics Center
Classification: Likely pathogenic for Ornithine carbamoyltransferase deficiency. Review status: criteria provided, single submitter. Criteria: ACMG Guidelines, 2015. Collection method: clinical testing. Allele origin: germline. Affected: no.

NM_000531.6(OTC):c.218A>G (p.Tyr73Cys)

Gene: OTC (ornithine transcarbamylase; plus strand). Cytogenetic location: Xp11.4.
Variant type: single nucleotide variant.
Coding change: c.218A>G on transcript NM_000531.6 (MANE Select); coding-DNA position 218, A replaced by G.
Protein change: p.Tyr73Cys; replaces tyrosine 73 with cysteine.
Molecular consequence: missense variant.
Genome position (GRCh38, 1-based): chrX:38,369,797, A>G. VCF-style: chrX-38369797-A-G. GRCh37 (hg19) VCF-style: chrX-38229050-A-G.
Other names: c.218A>G, p.Tyr73Cys (NM_001407092.1); short protein forms Y73C.
Identifiers: ClinVar variation 2573438 (VCV002573438.2), dbSNP rs2519952325, ClinGen allele CA412716768.